The following is an entry in ClinVar:

ClinVar aggregate classification (germline): Pathogenic. Review status: criteria provided, multiple submitters, no conflicts (2 of 4 stars). 9 submissions from 9 submitters: Pathogenic (7). 2 of the submissions do not count toward it. Last evaluated 2025-09-29.

Conditions:
SMPD1-related disorder. Also called: SMPD1-related condition.
Niemann-Pick disease, type B. Also called: Chronic Visceral ASMD (Niemann-Pick Disease Type B; NPD-B). Identifiers: Orphanet 77293, MedGen C0268243, MONDO:0011871, OMIM 607616. Disease mechanism: loss of function.
Niemann-Pick disease, type A. Also called: Infantile Neurovisceral ASMD (Niemann-Pick Disease Type A; NPD-A); SPHINGOMYELIN LIPIDOSIS; SPHINGOMYELINASE DEFICIENCY. Identifiers: Orphanet 77292, MedGen C0268242, MONDO:0009756, OMIM 257200. Disease mechanism: loss of function.

Allele frequency attached by ClinVar (database versions not stated): TOPMed below 0.00001.

Submissions (9):

Otogenetics
Classification: Pathogenic for Niemann-Pick disease, type A; Niemann-Pick disease, type B. Last evaluated: 2025-09-29. Review status: criteria provided, single submitter. Criteria: ACMG Guidelines, 2015. Collection method: clinical testing. Allele origin: germline.
Comment: PVS1: Stop gain variant introduces premature stop codon in gene with loss of function as mechanism of disease, predicted to undergo NMD; PM2: Variant not observed in gnomAD (<0.28% threshold); PS3: Well-established in vitro and in vivo functional studies supportive of damaging effect on the gene product, with no residual enzymatic activity relative to wild-type reported (PMID: 15241805, 16010684); PM3: Variant is identified in trans with a pathogenic variant in an affected patient (PMID: 32375665)

Natera, Inc.
Classification: Pathogenic for Niemann-Pick Disease, Types A/B. Last evaluated: 2025-06-09. Review status: criteria provided, single submitter. Criteria: Natera Variant Classification Schema (03/2026). Collection method: clinical testing. Allele origin: germline.
Comment: The c.96G>A variant in SMPD1 is a nonsense variant predicted to introduce a stop codon at amino acid 32. This variant is expected to result in nonsense mediated decay, truncation, or a dysfunctional protein product. This variant is rare in the general population with a frequency below the threshold expected for the associated phenotype(s). This variant has been observed in one or more individuals affected with the associated recessive disease, as either homozygous or compound heterozygous with a second variant (PMID: 15241805). Given the available evidence, this variant is classified as Pathogenic.

Fulgent Genetics
Classification: Pathogenic for Niemann-Pick disease, type A; Niemann-Pick disease, type B. Last evaluated: 2024-04-04. Review status: criteria provided, single submitter. Criteria: ACMG Guidelines, 2015. Collection method: clinical testing. Allele origin: germline.

Laboratory of Medical Genetics, National & Kapodistrian University of Athens
Classification: Pathogenic for Niemann-Pick disease, type A. Last evaluated: 2024-02-01. Review status: criteria provided, single submitter. Criteria: ACMG Guidelines, 2015. Collection method: curation. Allele origin: germline. Affected: no.

Baylor Genetics
Classification: Pathogenic for Niemann-Pick disease, type A. Last evaluated: 2023-11-02. Review status: criteria provided, single submitter. Criteria: ACMG Guidelines, 2015. Collection method: clinical testing. Allele origin: unknown.

Labcorp Genetics (formerly Invitae), Labcorp
Classification: Pathogenic for Niemann-Pick disease, type B; Niemann-Pick disease, type A. Last evaluated: 2023-07-28. Review status: criteria provided, single submitter. Criteria: Invitae Variant Classification Sherloc (09022015). Collection method: clinical testing. Allele origin: germline.
Comment: This variant is not present in population databases (gnomAD no frequency). This premature translational stop signal has been observed in individuals with Niemann-Pick disease (PMID: 15241805, 17876723). ClinVar contains an entry for this variant (Variation ID: 188840). For these reasons, this variant has been classified as Pathogenic. This sequence change creates a premature translational stop signal (p.Trp32*) in the SMPD1 gene. It is expected to result in an absent or disrupted protein product. Loss-of-function variants in SMPD1 are known to be pathogenic (PMID: 12369017, 15221801).

Women's Health and Genetics/Laboratory Corporation of America, LabCorp
Classification: Pathogenic for Niemann-Pick disease, type B. Last evaluated: 2020-05-01. Review status: criteria provided, single submitter. Criteria: LabCorp Variant Classification Summary - May 2015. Collection method: clinical testing. Allele origin: germline.
Comment: Variant summary: SMPD1 c.96G>A (p.Trp32X) results in a premature termination codon, predicted to cause an N-terminal truncation of the encoded protein due to translation initiation at a downstream START codon or absence of the protein due to nonsense mediated decay, which are commonly known mechanisms for disease. The variant was absent in 239304 control chromosomes (gnomAD). c.96G>A has been reported in the literature in multiple homozygous and compound heterozygous individuals affected with Niemann-Pick Disease Type B (Pittis_2004, Bonetto_2005, Fotoulaki_2007, Irun_2013, Romanello_2016). These data indicate that the variant is very likely to be associated with disease. Publications reported experimental evidence evaluating an impact on protein function, demonstrating a residual enzyme activity of ~20% in leukocytes derived from a homozygous patient (Pittis_2004), though a complete lack of enzyme activity was reported in a eukaryotic cell expression system (Dardis_2005). No clinical diagnostic laboratories have submitted clinical-significance assessments for this variant to ClinVar after 2014. Based on the evidence outlined above, the variant was classified as pathogenic.

PreventionGenetics, part of Exact Sciences
Classification: Pathogenic for SMPD1-related condition. Last evaluated: 2024-01-13. Review status: no assertion criteria provided. Collection method: clinical testing. Allele origin: germline. Not counted in ClinVar's aggregate classification.
Comment: The SMPD1 c.96G>A variant is predicted to result in premature protein termination (p.Trp32*). This variant has been reported in the homozygous and compound heterozygous states in multiple individuals with Niemann-Pick disease type B (see for example, Table 1, Pittis et al. 2004. PubMed ID: 15241805; Fotoulaki et al. 2007. PubMed ID: 17876723; Table 1, Irun et al. 2013. PubMed ID: 23252888). This variant has not been reported in a large population database, indicating this variant is rare. In vitro experimental studies suggest this variant decreases enzymatic activity of the protein (Dardis et al. 2005. PubMed ID: 16010684). Nonsense variants in SMPD1 are expected to be pathogenic. This variant is interpreted as pathogenic.

Counsyl
Classification: Likely pathogenic for Niemann-Pick disease, type A. Last evaluated: 2014-06-20. Review status: no assertion criteria provided. Collection method: literature only. Allele origin: unknown. Inheritance: Autosomal recessive inheritance. Not counted in ClinVar's aggregate classification.

Literature cited by the submitters: PubMed 15241805 (cited by 5 submitters); PubMed 16010684 (cited by 3 submitters); PubMed 32375665 (cited by Otogenetics); PubMed 17876723 (cited by 3 submitters); PubMed 12369017 (cited by Labcorp Genetics (formerly Invitae), Labcorp); PubMed 15221801 (cited by Labcorp Genetics (formerly Invitae), Labcorp); PubMed 26499107 (cited by Women's Health and Genetics/Laboratory Corporation of America, LabCorp); PubMed 23252888 (cited by Women's Health and Genetics/Laboratory Corporation of America, LabCorp and Counsyl); PubMed 26790753 (cited by Women's Health and Genetics/Laboratory Corporation of America, LabCorp); PubMed 16264060 (cited by Women's Health and Genetics/Laboratory Corporation of America, LabCorp and Counsyl); PubMed 18625664 (cited by Women's Health and Genetics/Laboratory Corporation of America, LabCorp and Counsyl); PubMed 8053910 (cited by Counsyl).

NM_000543.5(SMPD1):c.96G>A (p.Trp32Ter)

Gene: SMPD1 (sphingomyelin phosphodiesterase 1; plus strand). Cytogenetic location: 11p15.4.
Variant type: single nucleotide variant.
Coding change: c.96G>A on transcript NM_000543.5 (MANE Select); coding-DNA position 96, G replaced by A.
Protein change: p.Trp32Ter; replaces tryptophan 32 with a stop codon.
Molecular consequence: nonsense. On other transcripts: 5 prime UTR variant (1), non-coding transcript variant (2).
Genome position (GRCh38, 1-based): chr11:6,390,694, G>A. VCF-style: chr11-6390694-G-A. GRCh37 (hg19) VCF-style: chr11-6411924-G-A.
Other names: c.96G>A, p.Trp32Ter (NM_001007593.3, NM_001318087.2, NM_001365135.2); c.-866G>A (NM_001318088.2); short protein forms W32*.
Identifiers: ClinVar variation 188840 (VCV000188840.25), dbSNP rs786204506, ClinGen allele CA274022.